The following is an entry in ClinVar:

ClinVar aggregate classification (germline): Pathogenic. Review status: criteria provided, multiple submitters, no conflicts (2 of 4 stars). 3 submissions from 3 submitters: Pathogenic (3). Last evaluated 2025-03-10.

Conditions:
Hereditary cancer-predisposing syndrome. Also called: Tumor predisposition; Neoplastic Syndromes, Hereditary; Hereditary Cancer Syndrome; Hereditary neoplastic syndrome. Identifiers: Orphanet 140162, MedGen C0027672, MeSH D009386, MONDO:0015356.
Ataxia-telangiectasia syndrome (AT). Also called: Cerebello-oculocutaneous telangiectasia; Immunodeficiency with ataxia telangiectasia; ATAXIA-TELANGIECTASIA, COMPLEMENTATION GROUP A; Ataxia-telangiectasia, complementation group D; AT, COMPLEMENTATION GROUP C; ATAXIA-TELANGIECTASIA, FRESNO VARIANT. Identifiers: Orphanet 100, MedGen C0004135, MONDO:0008840, OMIM 208900.

Submissions (3):

Ambry Genetics
Classification: Pathogenic for Hereditary cancer-predisposing syndrome. Last evaluated: 2025-03-10. Review status: criteria provided, single submitter. Criteria: Ambry Variant Classification Scheme 2023. Collection method: clinical testing. Allele origin: germline.
Comment: The c.442dupG pathogenic mutation, located in coding exon 4 of the ATM gene, results from a duplication of G at nucleotide position 442, causing a translational frameshift with a predicted alternate stop codon (p.D148Gfs*11). This variant is considered to be rare based on population cohorts in the Genome Aggregation Database (gnomAD). This alteration is expected to result in loss of function by premature protein truncation or nonsense-mediated mRNA decay. As such, this alteration is interpreted as a disease-causing mutation.

Labcorp Genetics (formerly Invitae), Labcorp
Classification: Pathogenic for Ataxia-telangiectasia syndrome. Last evaluated: 2025-02-27. Review status: criteria provided, single submitter. Criteria: Invitae Variant Classification Sherloc (09022015). Collection method: clinical testing. Allele origin: germline.
Comment: This sequence change creates a premature translational stop signal (p.Asp148Glyfs*11) in the ATM gene. It is expected to result in an absent or disrupted protein product. Loss-of-function variants in ATM are known to be pathogenic (PMID: 23807571, 25614872). This variant is not present in population databases (gnomAD no frequency). This variant has not been reported in the literature in individuals affected with ATM-related conditions. ClinVar contains an entry for this variant (Variation ID: 479060). For these reasons, this variant has been classified as Pathogenic.

Color Diagnostics, LLC DBA Color Health
Classification: Pathogenic for Hereditary cancer-predisposing syndrome. Last evaluated: 2020-03-23. Review status: criteria provided, single submitter. Criteria: ACMG Guidelines, 2015. Collection method: clinical testing. Allele origin: germline.
Comment: This variant inserts 1 nucleotide in exon 5 of the ATM gene, creating a frameshift and premature translation stop signal. This variant is expected to result in an absent or non-functional protein product. To our knowledge, this variant has not been reported in individuals affected with hereditary cancer in the literature. This variant has not been identified in the general population by the Genome Aggregation Database (gnomAD). Loss of ATM function is a known mechanism of disease. Based on the available evidence, this variant is classified as Pathogenic.

Literature cited by the submitters: PubMed 23807571 (cited by Labcorp Genetics (formerly Invitae), Labcorp); PubMed 25614872 (cited by Labcorp Genetics (formerly Invitae), Labcorp).

NM_000051.4(ATM):c.442dup (p.Asp148fs)

Gene: ATM (ATM serine/threonine kinase; plus strand). Cytogenetic location: 11q22.3.
Variant type: Duplication.
Coding change: c.442dup on transcript NM_000051.4 (MANE Select); coding-DNA position 442, one base duplicated (G; older notation c.442dupG).
Protein change: p.Asp148fs; shifts the reading frame from aspartic acid 148.
Molecular consequence: frameshift variant.
Genome position (GRCh38, 1-based): chr11:108,235,780, G duplicated. VCF-style (leftmost placement, unchanged base first): chr11-108235779-A-AG. GRCh37 (hg19) VCF-style: chr11-108106506-A-AG.
Other names: c.442dup, p.Asp148fs (NM_001351834.2); c.442dupG (NM_000051.3); short protein forms D148fs.
Identifiers: ClinVar variation 479060 (VCV000479060.11), dbSNP rs1555059380, ClinGen allele CA658656156.